The following is an entry in ClinVar:

NM_000264.5(PTCH1):c.3385G>T (p.Gly1129Cys)

Gene: PTCH1 (patched 1; minus strand). Cytogenetic location: 9q22.32.
Variant type: single nucleotide variant.
Coding change: c.3385G>T on transcript NM_000264.5 (MANE Select); coding-DNA position 3385, G replaced by T.
Protein change: p.Gly1129Cys; replaces glycine 1129 with cysteine.
Molecular consequence: missense variant. On other transcripts: non-coding transcript variant (1).
Genome position (GRCh38, 1-based): chr9:95,453,542, C>A on the plus strand (G>T on the coding strand, the complement: PTCH1 is on the minus strand). VCF-style: chr9-95453542-C-A. GRCh37 (hg19) VCF-style: chr9-98215824-C-A.
Other names: c.3187G>T, p.Gly1063Cys (NM_001083602.3); c.3382G>T, p.Gly1128Cys (NM_001083603.3); c.2932G>T, p.Gly978Cys (NM_001083604.3, NM_001083605.3, NM_001083606.3 and 1 more transcripts); c.3229G>T, p.Gly1077Cys (NM_001354918.2); short protein forms G1063C, G1128C, G1129C, G978C, G1077C.
Identifiers: ClinVar variation 5027514 (VCV005027514.1).
Genomic context (GRCh38, chr9:95,453,542, plus strand): 5'-CAATGAAGTCGAACTCAGATCCCGCCAGCATCAGCACTCCCAGCAGAGTGGACACGGCGC[C>A]ATCCAGGACGGGTGCAAACATGTGCTCCAGGGCAAGCACAGCCCTGCGGTTCTTGTCGCC-3'
Protein context (NP_000255.2, residues 1119-1139): LEHMFAPVLD[Gly1129Cys]AVSTLLGVLM

ClinVar aggregate classification (germline): Uncertain significance (1 of 4 stars; one submission).

Conditions:
Hereditary cancer-predisposing syndrome. Also called: Neoplastic Syndromes, Hereditary; Tumor predisposition; Hereditary neoplastic syndrome; Hereditary Cancer Syndrome. Identifiers: Orphanet 140162, MedGen C0027672, MeSH D009386, MONDO:0015356.

Submission:

Ambry Genetics
Classification: Uncertain significance for Hereditary cancer-predisposing syndrome. Last evaluated: 2026-07-07. Review status: criteria provided, single submitter. Criteria: Ambry Variant Classification Scheme 2023. Collection method: clinical testing. Allele origin: germline.
Comment: The p.G1063C variant (also known as c.3187G>T), located in coding exon 20 of the PTCH1 gene, results from a G to T substitution at nucleotide position 3187. The glycine at codon 1063 is replaced by cysteine, an amino acid with highly dissimilar properties. This amino acid position is conserved. In addition, this alteration is predicted to be deleterious by in silico analysis. Based on the available evidence, the clinical significance of this variant remains unclear.